The following is an entry in ClinVar:

NM_005045.4(RELN):c.3333+4T>C

Gene: RELN (reelin; minus strand). Cytogenetic location: 7q22.1.
Variant type: single nucleotide variant.
Coding change: c.3333+4T>C on transcript NM_005045.4 (MANE Select); 4 bases into the intron after coding-DNA position 3333, T replaced by C.
Molecular consequence: intron variant.
Genome position (GRCh38, 1-based): chr7:103,603,300, A>G on the plus strand (T>C on the coding strand, the complement: RELN is on the minus strand). VCF-style: chr7-103603300-A-G. GRCh37 (hg19) VCF-style: chr7-103243747-A-G.
Other names: c.3333+4T>C (NM_173054.3).
Identifiers: ClinVar variation 680512 (VCV000680512.1), dbSNP rs754465666, ClinGen allele CA4421798.

ClinVar aggregate classification (germline): Likely benign (1 of 4 stars; one submission).

Allele frequency attached by ClinVar (database versions not stated): ExAC 0.00002; gnomAD 0.00001; gnomAD exomes 0.00001; TOPMed 0.00001.
gnomAD v4.1: 9 of 1,612,712 alleles (0.00056%); highest among the groups gnomAD compares: Non-Finnish European, 0.000085%; no homozygotes.

Submission:

GeneDx
Classification: Likely benign. Last evaluated: 2018-03-28. Review status: criteria provided, single submitter. Criteria: GeneDx Variant Classification (06012015). Collection method: clinical testing. Allele origin: germline. Affected: yes.
Comment: This variant is considered likely benign or benign based on one or more of the following criteria: it is a conservative change, it occurs at a poorly conserved position in the protein, it is predicted to be benign by multiple in silico algorithms, and/or has population frequency not consistent with disease.